The following is an entry in ClinVar:

NM_001195794.1(CLRN1):c.149_152delinsTGTCCAAT (p.Ser50fs)

Gene: CLRN1 (clarin 1; minus strand). Cytogenetic location: 3q25.1.
Variant type: Indel.
Coding change: c.149_152delinsTGTCCAAT on transcript NM_001195794.1; coding-DNA positions 149 to 152, CAGG replaced by TGTCCAAT.
Protein change: p.Ser50fs; shifts the reading frame from serine 50.
Genome position (GRCh38, 1-based): chr3:150,972,557-150,972,560, CCTG replaced by ATTGGACA on the plus strand (CAGG replaced by TGTCCAAT on the coding strand, the reverse complement: CLRN1 is on the minus strand). VCF-style: chr3-150972557-CCTG-ATTGGACA. GRCh37 (hg19) VCF-style: chr3-150690344-CCTG-ATTGGACA.
Other names: c.149_152delinsTGTCCAAT, p.Ser50fs (NM_001256819.2, NM_174878.3); short protein forms S50fs.
Identifiers: ClinVar variation 188726 (VCV000188726.26), dbSNP rs786204428, ClinGen allele CA199044.

ClinVar aggregate classification (germline): Pathogenic. Review status: criteria provided, multiple submitters, no conflicts (2 of 4 stars). 12 submissions from 12 submitters: Pathogenic (11). 1 of the submissions does not count toward it. Last evaluated 2026-05-20.

Conditions:
CLRN1-related disorder. Also called: CLRN1-related condition.
Usher syndrome type 3A (USH3A). Also called: USHER SYNDROME, TYPE IIIA. Identifiers: MedGen C5779850, MONDO:0010170, OMIM 276902.
Retinitis pigmentosa 61 (RP61). Identifiers: Orphanet 791, MedGen C3280041, MONDO:0013610, OMIM 614180.
Rare genetic deafness. Identifiers: Orphanet 96210, MedGen C5680250.
Usher syndrome type 3. Also called: Usher Syndrome, Type III. Identifiers: Orphanet 231183, MedGen C1568248, MONDO:0016485.

Submissions (12):

PreventionGenetics, part of Exact Sciences
Classification: Pathogenic for CLRN1-related condition. Last evaluated: 2026-05-20. Review status: criteria provided, single submitter. Criteria: ACMG Guidelines, 2015. Collection method: clinical testing. Allele origin: germline.
Comment: The CLRN1 c.149_152delinsTGTCCAAT variant is predicted to result in a frameshift and premature protein termination (p.Ser50Leufs*12). This variant has been reported in the homozygous and compound heterozygous state in individuals with Usher syndrome or unspecified retinal disease (Fields et al. 2002. PubMed ID: 12145752; Table S1, Lin et al. 2024. PubMed ID: 38219857; Table S1, Weisschuh et al. 2024. PubMed ID: 37734845). This variant is absent in a large population database (gnomAD), indicating this variant is rare. Frameshift variants in CLRN1 are an established mechanism of disease. This variant is interpreted as pathogenic.

Natera, Inc.
Classification: Pathogenic for Usher syndrome type 3. Last evaluated: 2026-01-16. Review status: criteria provided, single submitter. Criteria: Natera Variant Classification Schema (03/2026). Collection method: clinical testing. Allele origin: germline.
Comment: The c.149_152delCAGGinsTGTCCAAT variant in CLRN1 is a frameshift variant predicted to shift the reading frame beginning at codon 50 and leads to a stop codon 12 codons downstream. This variant is expected to result in nonsense mediated decay, truncation, or a dysfunctional protein product. This variant is rare in the general population with a frequency below the threshold expected for the associated phenotype(s). This variant has been observed in one or more individuals affected with the associated recessive disease, as either homozygous or compound heterozygous with a second variant (PMID: 12834121, 17893653, 22135276). Additionally, this variant has been observed to segregate in affected family members (PMID: 12834121, 17893653). Given the available evidence, this variant is classified as Pathogenic.

Baylor Genetics
Classification: Pathogenic for Retinitis pigmentosa 61. Last evaluated: 2024-03-23. Review status: criteria provided, single submitter. Criteria: ACMG Guidelines, 2015. Collection method: clinical testing. Allele origin: unknown.

Fulgent Genetics
Classification: Pathogenic for Usher syndrome type 3A; Retinitis pigmentosa 61. Last evaluated: 2024-01-27. Review status: criteria provided, single submitter. Criteria: ACMG Guidelines, 2015. Collection method: clinical testing. Allele origin: germline.

Labcorp Genetics (formerly Invitae), Labcorp
Classification: Pathogenic. Last evaluated: 2023-11-20. Review status: criteria provided, single submitter. Criteria: Invitae Variant Classification Sherloc (09022015). Collection method: clinical testing. Allele origin: germline.
Comment: This sequence change creates a premature translational stop signal (p.Ser50Leufs*12) in the CLRN1 gene. It is expected to result in an absent or disrupted protein product. Loss-of-function variants in CLRN1 are known to be pathogenic (PMID: 11524702, 24498627). This variant is present in population databases (rs762606406, gnomAD 0.02%). This premature translational stop signal has been observed in individual(s) with Usher syndrome (PMID: 12145752, 22135276). This variant is also known as c.149delCAGGinsTGTCCAAT. ClinVar contains an entry for this variant (Variation ID: 1275768). Algorithms developed to predict the effect of sequence changes on RNA splicing suggest that this variant may disrupt the consensus splice site. For these reasons, this variant has been classified as Pathogenic.

Blueprint Genetics
Classification: Pathogenic for CLRN1-related disorders. Last evaluated: 2023-04-11. Review status: criteria provided, single submitter. Criteria: ACMG Guidelines, 2015. Collection method: clinical testing. Allele origin: germline. Affected: yes. Observed: 5 variant alleles.

GeneDx
Classification: Pathogenic. Last evaluated: 2022-11-17. Review status: criteria provided, single submitter. Criteria: GeneDx Variant Classification Process June 2021. Collection method: clinical testing. Allele origin: germline. Affected: yes.
Comment: Frameshift variant predicted to result in protein truncation or nonsense mediated decay in a gene for which loss of function is a known mechanism of disease; Not observed at significant frequency in large population cohorts (gnomAD); This variant is associated with the following publications: (PMID: 17893653, 18273898, 12145752, 22135276, 16963483)

Laboratory for Molecular Medicine, Mass General Brigham Personalized Medicine
Classification: Pathogenic for Rare genetic deafness. Last evaluated: 2017-08-30. Review status: criteria provided, single submitter. Criteria: LMM Criteria. Collection method: clinical testing. Allele origin: germline. Inheritance: Autosomal recessive inheritance. Observed: 1 variant allele.
Comment: The p.Ser50fs variant in CLRN1 has been reported in 3 individuals with Usher syn drome type III, who were either homozygous for the variant or compound heterozyg ous for this variant and a second pathogenic variant (Fields 2002 and Le Quesne Stabej 2012). The variant has also been reported in ClinVar by multiple submitte rs as a pathogenic variant (Variation ID: 188726). It has also been identified i n 0.02% (27/126690) of European chromosomes by the Genome Aggregation Database ( gnomAD; dbSNP rs786204428); however this freq uency is low enough to be consistent with a recessive carrier frequency. This va riant is predicted to cause a frameshift, which alters the protein?s amino acid sequence beginning at position 50 and leads to a premature termination codon 12 amino acids downstream. This alteration is then predicted to lead to a truncated or absent protein. Loss of function of the CLRN1 gene is an established disease mechanism in autosomal recessive Usher syndrome. In summary, this variant meets criteria to be classified as pathogenic for Usher syndrome type III in an autos omal recessive manner.

Eurofins Ntd Llc (ga)
Classification: Pathogenic. Last evaluated: 2017-08-24. Review status: criteria provided, single submitter. Criteria: EGL Classification Definitions 2015. Collection method: clinical testing. Allele origin: germline. Observed: 1 variant allele, 1 heterozygote.

Women's Health and Genetics/Laboratory Corporation of America, LabCorp
Classification: Pathogenic for Usher syndrome type 3. Last evaluated: 2017-01-19. Review status: criteria provided, single submitter. Criteria: LabCorp Variant Classification Summary - May 2015. Collection method: clinical testing. Allele origin: germline.
Comment: Variant summary: The CLRN1 c.149_152delinsTGTCCAAT (p.Ser50Leufs) variant results in a premature termination codon, predicted to cause a truncated or absent CLRN1 protein due to nonsense mediated decay, which are commonly known mechanisms for disease. Mutation taster predicts a damaging outcome for this variant. This variant is absent in 122580 control chromosomes while it was reported in several patients with Usher Syndrome in homozygosity or in compound heterozygosity with other pathogenic variant indicating pathogenicity. In addition, multiple clinical diagnostic laboratories classified this variant as likely pathogenic/pathogenic. Taken together, this variant is classified as pathogenic.

Genetic Services Laboratory, University of Chicago
Classification: Pathogenic for Usher syndrome, type 3A. Last evaluated: 2015-07-07. Review status: criteria provided, single submitter. Criteria: ACMG Guidelines, 2015. Collection method: clinical testing. Allele origin: germline. Affected: yes.

Counsyl
Classification: Likely pathogenic for Usher syndrome, type 3. Last evaluated: 2014-03-17. Review status: no assertion criteria provided. Collection method: literature only. Allele origin: unknown. Inheritance: Autosomal recessive inheritance. Not counted in ClinVar's aggregate classification.

Literature cited by the submitters: PubMed 12834121 (cited by Natera, Inc.); PubMed 17893653 (cited by Natera, Inc. and Counsyl); PubMed 22135276 (cited by 6 submitters); PubMed 11524702 (cited by Labcorp Genetics (formerly Invitae), Labcorp); PubMed 24498627 (cited by Labcorp Genetics (formerly Invitae), Labcorp); PubMed 12145752 (cited by 5 submitters); PubMed 16963483 (cited by Women's Health and Genetics/Laboratory Corporation of America, LabCorp); PubMed 18273898 (cited by Women's Health and Genetics/Laboratory Corporation of America, LabCorp).